The following is an entry in ClinVar:

NM_000059.4(BRCA2):c.1881del (p.Pro628fs)

Gene: BRCA2 (BRCA2 DNA repair associated; plus strand). Cytogenetic location: 13q13.1.
Variant type: Deletion.
Coding change: c.1881del on transcript NM_000059.4 (MANE Select); coding-DNA position 1881, one base deleted (A; older notation c.1881delA).
Protein change: p.Pro628fs; shifts the reading frame from proline 628.
Molecular consequence: frameshift variant.
Genome position (GRCh38, 1-based): chr13:32,333,359, A deleted. VCF-style (leftmost placement, unchanged base first): chr13-32333358-CA-C. GRCh37 (hg19) VCF-style: chr13-32907495-CA-C.
Other names: c.1881delA (NM_000059.3); short protein forms P628fs.
Identifiers: ClinVar variation 51219 (VCV000051219.3), dbSNP rs397507612, ClinGen allele CA013713.

ClinVar aggregate classification (germline): Pathogenic. Review status: reviewed by expert panel (3 of 4 stars). 2 submissions from 2 submitters: Pathogenic (1). 1 of the submissions does not count toward it. Last evaluated 2017-12-15.

Conditions:
Breast-ovarian cancer, familial, susceptibility to, 2 (BROVCA2). Also called: BRCA2 Hereditary Breast and Ovarian Cancer. Identifiers: Orphanet 145, MedGen C2675520, MONDO:0012933, OMIM 612555. Disease mechanism: loss of function.
Familial cancer of breast. Also called: BREAST CANCER, FAMILIAL; Hereditary breast cancer; hereditary breast carcinoma. Identifiers: Orphanet 227535, MedGen C0346153, MONDO:0016419, OMIM 114480. Disease mechanism: loss of function.

Submissions (2):

Evidence-based Network for the Interpretation of Germline Mutant Alleles (ENIGMA)
Classification: Pathogenic for Breast-ovarian cancer, familial, susceptibility to, 2. Last evaluated: 2017-12-15. Review status: reviewed by expert panel. Criteria: ENIGMA BRCA1/2 Classification Criteria (2017-06-29). Collection method: curation. Allele origin: germline. Study: ENIGMA.
Comment: Variant allele predicted to encode a truncated non-functional protein.

ClinVar Staff, National Center for Biotechnology Information (NCBI)
No classification provided. Condition: Familial cancer of breast. Review status: no classification provided. Collection method: literature only. Allele origin: germline. Affected: yes. Not counted in ClinVar's aggregate classification.

Literature cited by the submitters: PubMed 17851763 (cited by ClinVar Staff, National Center for Biotechnology Information (NCBI)).